The following is an entry in ClinVar:

NM_004006.3(DMD):c.8987A>G (p.Asn2996Ser)

Gene: DMD (dystrophin; minus strand). Cytogenetic location: Xp21.2.
Variant type: single nucleotide variant.
Coding change: c.8987A>G on transcript NM_004006.3 (MANE Select); coding-DNA position 8987, A replaced by G.
Protein change: p.Asn2996Ser; replaces asparagine 2996 with serine.
Molecular consequence: missense variant.
Genome position (GRCh38, 1-based): chrX:31,444,578, T>C on the plus strand (A>G on the coding strand, the complement: DMD is on the minus strand). VCF-style: chrX-31444578-T-C. GRCh37 (hg19) VCF-style: chrX-31462695-T-C.
Other names: c.8963A>G, p.Asn2988Ser (NM_000109.4); c.8975A>G, p.Asn2992Ser (NM_004009.3); c.8618A>G, p.Asn2873Ser (NM_004010.3); c.4964A>G, p.Asn1655Ser (NM_004011.4); c.4955A>G, p.Asn1652Ser (NM_004012.4); c.1607A>G, p.Asn536Ser (NM_004013.3, NM_004020.4, NM_004021.3 and 2 more transcripts); c.800A>G, p.Asn267Ser (NM_004014.3); short protein forms N1655S, N2873S, N2996S, N2988S, N536S, N1652S, N267S, N2992S.
Identifiers: ClinVar variation 2905378 (VCV002905378.3), dbSNP rs1246884972, ClinGen allele CA412655233.

ClinVar aggregate classification (germline): Uncertain significance (1 of 4 stars; one submission).

Conditions:
Duchenne muscular dystrophy (DMD). Also called: MUSCULAR DYSTROPHY, PSEUDOHYPERTROPHIC PROGRESSIVE, DUCHENNE TYPE; Duchenne Muscular Dystrophy (DMD). Identifiers: Orphanet 98896, MedGen C0013264, MONDO:0010679, OMIM 310200.

Allele frequency attached by ClinVar (database versions not stated): gnomAD exomes below 0.00001.
gnomAD v4.1: 1 of 1,211,708 alleles (0.000083%); highest among the groups gnomAD compares: Admixed American, 0.0022%; no homozygotes.

Submission:

Labcorp Genetics (formerly Invitae), Labcorp
Classification: Uncertain significance for Duchenne muscular dystrophy. Last evaluated: 2025-09-02. Review status: criteria provided, single submitter. Criteria: Invitae Variant Classification Sherloc (09022015). Collection method: clinical testing. Allele origin: germline.
Comment: This sequence change replaces asparagine, which is neutral and polar, with serine, which is neutral and polar, at codon 2996 of the DMD protein (p.Asn2996Ser). This variant is present in population databases (no rsID available, gnomAD 0.004%). This variant has not been reported in the literature in individuals affected with DMD-related conditions. ClinVar contains an entry for this variant (Variation ID: 2905378). Invitae Evidence Modeling of protein sequence and biophysical properties (such as structural, functional, and spatial information, amino acid conservation, physicochemical variation, residue mobility, and thermodynamic stability) indicates that this missense variant is not expected to disrupt DMD protein function with a negative predictive value of 95%. In summary, the available evidence is currently insufficient to determine the role of this variant in disease. Therefore, it has been classified as a Variant of Uncertain Significance.